The following is an entry in ClinVar:

ClinVar aggregate classification (germline): Uncertain significance (1 of 4 stars; one submission).

Conditions:
Severe combined immunodeficiency due to IKK2 deficiency. Also called: Immunodeficiency 15; IMMUNODEFICIENCY 15B. Identifiers: Orphanet 397787, MedGen C4747743, MONDO:0014267, OMIM 615592.

Submission:

Labcorp Genetics (formerly Invitae), Labcorp
Classification: Uncertain significance for Severe combined immunodeficiency due to IKK2 deficiency. Last evaluated: 2023-10-22. Review status: criteria provided, single submitter. Criteria: Invitae Variant Classification Sherloc (09022015). Collection method: clinical testing. Allele origin: germline.
Comment: This sequence change replaces arginine, which is basic and polar, with glycine, which is neutral and non-polar, at codon 572 of the IKBKB protein (p.Arg572Gly). This variant is not present in population databases (gnomAD no frequency). This variant has not been reported in the literature in individuals affected with IKBKB-related conditions. Advanced modeling of protein sequence and biophysical properties (such as structural, functional, and spatial information, amino acid conservation, physicochemical variation, residue mobility, and thermodynamic stability) performed at Invitae indicates that this missense variant is not expected to disrupt IKBKB protein function. In summary, the available evidence is currently insufficient to determine the role of this variant in disease. Therefore, it has been classified as a Variant of Uncertain Significance.

NM_001556.3(IKBKB):c.1714A>G (p.Arg572Gly)

Gene: IKBKB (inhibitor of nuclear factor kappa B kinase subunit beta; plus strand). Cytogenetic location: 8p11.21.
Variant type: single nucleotide variant.
Coding change: c.1714A>G on transcript NM_001556.3 (MANE Select); coding-DNA position 1714, A replaced by G.
Protein change: p.Arg572Gly; replaces arginine 572 with glycine.
Molecular consequence: missense variant. On other transcripts: non-coding transcript variant (3).
Genome position (GRCh38, 1-based): chr8:42,321,921, A>G. VCF-style: chr8-42321921-A-G. GRCh37 (hg19) VCF-style: chr8-42179439-A-G.
Other names: c.1522A>G, p.Arg508Gly (NM_001190720.3); c.1537A>G, p.Arg513Gly (NM_001242778.2); short protein forms R572G, R513G, R508G.
Identifiers: ClinVar variation 2741938 (VCV002741938.3), dbSNP rs2487731630, ClinGen allele CA371091957.